The following is an entry in ClinVar:

ClinVar aggregate classification (germline): Pathogenic (1 of 4 stars; one submission).

Conditions:
Familial focal epilepsy with variable foci (FPEVF). Identifiers: Orphanet 98820, MedGen C1858477, MONDO:0020310.

Submission:

Labcorp Genetics (formerly Invitae), Labcorp
Classification: Pathogenic for Familial focal epilepsy with variable foci. Last evaluated: 2020-01-22. Review status: criteria provided, single submitter. Criteria: Invitae Variant Classification Sherloc (09022015). Collection method: clinical testing. Allele origin: germline.
Comment: This sequence change creates a premature translational stop signal (p.Val1483Cysfs*4) in the DEPDC5 gene. It is expected to result in an absent or disrupted protein product. This variant is not present in population databases (ExAC no frequency). This variant has not been reported in the literature in individuals with DEPDC5-related conditions. ClinVar contains an entry for this variant (Variation ID: 655956). Loss-of-function variants in DEPDC5 are known to be pathogenic (PMID: 23542697, 23542701). For these reasons, this variant has been classified as Pathogenic.

Literature cited by the submitters: PubMed 23542697; PubMed 23542701.

NM_001242896.3(DEPDC5):c.4446dup (p.Val1483fs)

Gene: DEPDC5 (DEP domain containing 5, GATOR1 subcomplex subunit; plus strand). Cytogenetic location: 22q12.3.
Variant type: Duplication.
Coding change: c.4446dup on transcript NM_001242896.3 (MANE Select); coding-DNA position 4446, one base duplicated (T; older notation c.4446dupT).
Protein change: p.Val1483fs; shifts the reading frame from valine 1483.
Molecular consequence: frameshift variant. On other transcripts: non-coding transcript variant (5).
Genome position (GRCh38, 1-based): chr22:31,905,993, T duplicated; the last of 3 consecutive T bases (chr22:31,905,991-31,905,993); duplicating any one gives the same sequence. VCF-style (leftmost placement, unchanged base first): chr22-31905990-G-GT. GRCh37 (hg19) VCF-style: chr22-32301976-G-GT.
Other names: c.4419dup, p.Val1474fs (NM_001136029.4); c.4146dup, p.Val1383fs (NM_001242897.2); c.4380dup, p.Val1461fs (NM_001363852.2, NM_001364320.2); c.4212dup, p.Val1405fs (NM_001363854.2, NM_001364319.2); c.4446dup, p.Val1483fs (NM_001364318.2); c.4362dup, p.Val1455fs (NM_001369901.1, NM_001369902.1); c.4353dup, p.Val1452fs (NM_001369903.1, NM_014662.6); short protein forms V1383fs, V1455fs, V1452fs, V1461fs, V1483fs, V1405fs, V1474fs.
Identifiers: ClinVar variation 655956 (VCV000655956.8), dbSNP rs1603014297, ClinGen allele CA915950748.